The following is an entry in ClinVar:

NM_000051.4(ATM):c.1148C>T (p.Pro383Leu)

Gene: ATM (ATM serine/threonine kinase; plus strand). Cytogenetic location: 11q22.3.
Variant type: single nucleotide variant.
Coding change: c.1148C>T on transcript NM_000051.4 (MANE Select); coding-DNA position 1148, C replaced by T.
Protein change: p.Pro383Leu; replaces proline 383 with leucine.
Molecular consequence: missense variant.
Genome position (GRCh38, 1-based): chr11:108,249,015, C>T. VCF-style: chr11-108249015-C-T. GRCh37 (hg19) VCF-style: chr11-108119742-C-T.
Other names: c.1148C>T, p.Pro383Leu (NM_001351834.2); short protein forms P383L.
Identifiers: ClinVar variation 838409 (VCV000838409.9), dbSNP rs1555069702, ClinGen allele CA382532483.

ClinVar aggregate classification (germline): Uncertain significance (1 of 4 stars; one submission).

Conditions:
Ataxia-telangiectasia syndrome (AT). Also called: Ataxia-telangiectasia, complementation group E; Ataxia telangiectasia (A-T); LOUIS-BAR SYNDROME; Ataxia-telangiectasia, complementation group D; AT, COMPLEMENTATION GROUP C; Ataxia-telangiectasia. Identifiers: Orphanet 100, MedGen C0004135, MONDO:0008840, OMIM 208900.

Submission:

Labcorp Genetics (formerly Invitae), Labcorp
Classification: Uncertain significance for Ataxia-telangiectasia syndrome. Last evaluated: 2022-08-23. Review status: criteria provided, single submitter. Criteria: Invitae Variant Classification Sherloc (09022015). Collection method: clinical testing. Allele origin: germline.
Comment: In summary, the available evidence is currently insufficient to determine the role of this variant in disease. Therefore, it has been classified as a Variant of Uncertain Significance. Advanced modeling of protein sequence and biophysical properties (such as structural, functional, and spatial information, amino acid conservation, physicochemical variation, residue mobility, and thermodynamic stability) performed at Invitae indicates that this missense variant is not expected to disrupt ATM protein function. ClinVar contains an entry for this variant (Variation ID: 838409). This variant has not been reported in the literature in individuals affected with ATM-related conditions. This variant is not present in population databases (gnomAD no frequency). This sequence change replaces proline, which is neutral and non-polar, with leucine, which is neutral and non-polar, at codon 383 of the ATM protein (p.Pro383Leu).